The following is an entry in ClinVar:

NM_207346.3(TSEN54):c.604_605del (p.Arg202fs)

Gene: TSEN54 (tRNA splicing endonuclease subunit 54; plus strand). Cytogenetic location: 17q25.1.
Variant type: Microsatellite.
Coding change: c.604_605del on transcript NM_207346.3 (MANE Select); coding-DNA positions 604 to 605, 2 bases deleted (AG; older notation c.604_605delAG).
Protein change: p.Arg202fs; shifts the reading frame from arginine 202.
Molecular consequence: frameshift variant.
Genome position (GRCh38, 1-based): chr17:75,521,491-75,521,492, AG deleted; deleting any 2 consecutive bases within chr17:75,521,489-75,521,492 gives the same sequence; the c. name uses the placement nearest the transcript's 3' end. VCF-style (leftmost placement, unchanged base first): chr17-75521488-AAG-A. GRCh37 (hg19) VCF-style: chr17-73517569-AAG-A.
Other names: short protein forms R202fs.
Identifiers: ClinVar variation 2747640 (VCV002747640.3), dbSNP rs1432605158, ClinGen allele CA502045727.

ClinVar aggregate classification (germline): Pathogenic (1 of 4 stars; one submission).

Submission:

Labcorp Genetics (formerly Invitae), Labcorp
Classification: Pathogenic. Last evaluated: 2023-07-28. Review status: criteria provided, single submitter. Criteria: Invitae Variant Classification Sherloc (09022015). Collection method: clinical testing. Allele origin: germline.
Comment: This variant is present in population databases (no rsID available, gnomAD 0.0009%). For these reasons, this variant has been classified as Pathogenic. This variant has not been reported in the literature in individuals affected with TSEN54-related conditions. This sequence change creates a premature translational stop signal (p.Arg202Glufs*9) in the TSEN54 gene. It is expected to result in an absent or disrupted protein product. Loss-of-function variants in TSEN54 are known to be pathogenic (PMID: 18711368, 20952379).

Literature cited by the submitters: PubMed 18711368; PubMed 20952379.